The following is an entry in ClinVar:

NM_014270.5(SLC7A9):c.886C>T (p.Arg296Cys)

Gene: SLC7A9 (solute carrier family 7 member 9; minus strand). Cytogenetic location: 19q13.11.
Variant type: single nucleotide variant.
Coding change: c.886C>T on transcript NM_014270.5 (MANE Select); coding-DNA position 886, C replaced by T.
Protein change: p.Arg296Cys; replaces arginine 296 with cysteine.
Molecular consequence: missense variant.
Genome position (GRCh38, 1-based): chr19:32,858,531, G>A on the plus strand (C>T on the coding strand, the complement: SLC7A9 is on the minus strand). VCF-style: chr19-32858531-G-A. GRCh37 (hg19) VCF-style: chr19-33349437-G-A.
Other names: c.886C>T, p.Arg296Cys (NM_001126335.2, NM_001243036.2); short protein forms R296C.
Identifiers: ClinVar variation 955736 (VCV000955736.4), dbSNP rs375820400, ClinGen allele CA9358582.

ClinVar aggregate classification (germline): Uncertain significance. Review status: criteria provided, multiple submitters, no conflicts (2 of 4 stars). 3 submissions from 3 submitters: Uncertain significance (3). Last evaluated 2025-04-01.

Conditions:
Cystinuria (CSNU). Also called: CYSTINURIA, TYPE I; CYSTINURIA, TYPE II; CYSTINURIA, TYPE III; Cystinuria, non-type I. Identifiers: Orphanet 214, MedGen C0010691, MONDO:0009067, OMIM 220100, HP:0003131.

Allele frequency attached by ClinVar (database versions not stated): TOPMed 0.00002; gnomAD 0.00001; ExAC 0.00002; gnomAD exomes 0.00003 and 0.00001; ESP Exome Variant Server 0.00008.
gnomAD v4.1: 13 of 1,612,064 alleles (0.00081%); highest among the groups gnomAD compares: South Asian, 0.0077%; no homozygotes.

Submissions (3):

Victorian Clinical Genetics Services, Murdoch Childrens Research Institute
Classification: Uncertain significance for Cystinuria. Last evaluated: 2025-04-01. Review status: criteria provided, single submitter. Criteria: ACMG Guidelines, 2015. Collection method: clinical testing. Allele origin: germline. Affected: yes.
Comment: This variant is classified as VUS-3A. Evidence in support of pathogenic classification: Variant is present in gnomAD <0.01 (v4: 13 heterozygote(s), 0 homozygote(s)); Missense variant predicted to be damaging by in silico tool(s) or highly conserved with a major amino acid change. Additional information: Variant is predicted to result in a missense amino acid change from arginine to cysteine; This variant is homozygous; This gene is associated with both recessive and dominant disease. Some heterozygous variants have been reported to present with a milder phenotype (OMIM, PMID: 11157794); Alternative amino acid change(s) at the same position are present in gnomAD (Highest allele count: v4: 25 heterozygote(s), 0 homozygote(s)); Previous evidence of pathogenicity for this variant is inconclusive. This variant has been classified as a VUS by clinical laboratories in ClinVar. - No published segregation evidence has been identified for this variant; No published functional evidence has been identified for this variant; No comparable missense variants have previous evidence for pathogenicity; Variant is located in the annotated amino acid permease (DECIPHER). - Loss of function is a known mechanism of disease in this gene and is associated with cystinuria (MIM#220100); The condition associated with this gene has incomplete penetrance. Autosomal dominant cystinuria has been reported to have incomplete penetrance (PMID: 25964309); Inheritance information for this variant is not currently available in this individual.

Fulgent Genetics
Classification: Uncertain significance for Cystinuria. Last evaluated: 2024-01-03. Review status: criteria provided, single submitter. Criteria: ACMG Guidelines, 2015. Collection method: clinical testing. Allele origin: germline.

Labcorp Genetics (formerly Invitae), Labcorp
Classification: Uncertain significance. Last evaluated: 2019-10-25. Review status: criteria provided, single submitter. Criteria: Invitae Variant Classification Sherloc (09022015). Collection method: clinical testing. Allele origin: germline.
Comment: This sequence change replaces arginine with cysteine at codon 296 of the SLC7A9 protein (p.Arg296Cys). The arginine residue is highly conserved and there is a large physicochemical difference between arginine and cysteine. This variant is present in population databases (rs375820400, ExAC 0.01%). This variant has not been reported in the literature in individuals with SLC7A9-related conditions. Algorithms developed to predict the effect of missense changes on protein structure and function (SIFT, PolyPhen-2, Align-GVGD) all suggest that this variant is likely to be disruptive, but these predictions have not been confirmed by published functional studies and their clinical significance is uncertain. In summary, the available evidence is currently insufficient to determine the role of this variant in disease. Therefore, it has been classified as a Variant of Uncertain Significance.

Literature cited by the submitters: PubMed 11157794 (cited by Victorian Clinical Genetics Services, Murdoch Childrens Research Institute); PubMed 25964309 (cited by Victorian Clinical Genetics Services, Murdoch Childrens Research Institute).